The following is an entry in ClinVar:

NM_006031.6(PCNT):c.7653G>A (p.Ala2551=)

Gene: PCNT (pericentrin; plus strand). Cytogenetic location: 21q22.3.
Variant type: single nucleotide variant.
Coding change: c.7653G>A on transcript NM_006031.6 (MANE Select); coding-DNA position 7653, G replaced by A.
Protein change: p.Ala2551=; no amino-acid change (alanine 2551 retained).
Molecular consequence: synonymous variant.
Genome position (GRCh38, 1-based): chr21:46,428,553, G>A. VCF-style: chr21-46428553-G-A. GRCh37 (hg19) VCF-style: chr21-47848467-G-A.
Other names: c.7299G>A, p.Ala2433= (NM_001315529.2); c.7653G>A (NM_006031.5).
Identifiers: ClinVar variation 1619256 (VCV001619256.10), dbSNP rs749003465, ClinGen allele CA10080734.
Genomic context (GRCh38, chr21:46,428,553, plus strand): 5'-GCACCTGCAGAACCAGGAGAAGCTGCAGCACTTGCGCACGGCGCTGACAAGCGCAGAGGC[G>A]CGCGGGAGCCAGCAGGAGCACCAGCTGCGCAGGCAGGGTGGGTGTCACTGTCTACACTGC-3'
Protein context (NP_006022.3, residues 2541-2561): HLRTALTSAE[Ala2551=]RGSQQEHQLR

ClinVar aggregate classification (germline): Likely benign. Review status: criteria provided, single submitter (1 of 4 stars). 2 submissions from 2 submitters: Likely benign (1). 1 of the submissions does not count toward it. Last evaluated 2024-10-15.

Conditions:
PCNT-related disorder. Also called: PCNT-related condition.

Allele frequency attached by ClinVar (database versions not stated): ExAC 0.00001; gnomAD 0.00002 and 0.00003; gnomAD exomes 0.00003; TOPMed 0.00003.
gnomAD v4.1: 38 of 1,606,660 alleles (0.0024%); highest among the groups gnomAD compares: African/African-American, 0.0067%; no homozygotes.

Submissions (2):

Labcorp Genetics (formerly Invitae), Labcorp
Classification: Likely benign. Last evaluated: 2024-10-15. Review status: criteria provided, single submitter. Criteria: Invitae Variant Classification Sherloc (09022015). Collection method: clinical testing. Allele origin: germline.

PreventionGenetics, part of Exact Sciences
Classification: Likely benign for PCNT-related condition. Last evaluated: 2021-06-17. Review status: no assertion criteria provided. Collection method: clinical testing. Allele origin: germline. Not counted in ClinVar's aggregate classification.
Comment: This variant is classified as likely benign based on ACMG/AMP sequence variant interpretation guidelines (Richards et al. 2015 PMID: 25741868, with internal and published modifications).